The following is an entry in ClinVar:

NM_001349206.2(LPIN1):c.245A>G (p.Asp82Gly)

Gene: LPIN1 (lipin 1; plus strand). Cytogenetic location: 2p25.1.
Variant type: single nucleotide variant.
Coding change: c.245A>G on transcript NM_001349206.2 (MANE Select); coding-DNA position 245, A replaced by G.
Protein change: p.Asp82Gly; replaces aspartic acid 82 with glycine.
Molecular consequence: missense variant. On other transcripts: non-coding transcript variant (1).
Genome position (GRCh38, 1-based): chr2:11,767,815, A>G. VCF-style: chr2-11767815-A-G. GRCh37 (hg19) VCF-style: chr2-11907941-A-G.
Other names: c.263A>G, p.Asp88Gly (NM_001261427.3); c.392A>G, p.Asp131Gly (NM_001261428.3, NM_001349208.2); c.245A>G, p.Asp82Gly (NM_001349199.2, NM_001349200.2, NM_001349201.2 and 5 more transcripts); c.335A>G, p.Asp112Gly (NM_001349207.2); c.245A>G (NM_145693.1); short protein forms D131G, D88G, D112G, D82G.
Identifiers: ClinVar variation 1360705 (VCV001360705.5), dbSNP rs987368907, ClinGen allele CA42592904.

ClinVar aggregate classification (germline): Uncertain significance. Review status: criteria provided, multiple submitters, no conflicts (2 of 4 stars). 3 submissions from 3 submitters: Uncertain significance (3). Last evaluated 2023-12-01.

Conditions:
Inborn genetic diseases. Identifiers: MedGen C0950123, MeSH D030342.
Myoglobinuria, acute recurrent, autosomal recessive. Also called: RHABDOMYOLYSIS, ACUTE RECURRENT; MYOGLOBINURIA, FAMILIAL PAROXYSMAL PARALYTIC; Myoglobinuria, recurrent, autosomal recessive. Identifiers: Orphanet 99845, MedGen C1849386, MONDO:0009992, OMIM 268200.

Allele frequency attached by ClinVar (database versions not stated): gnomAD exomes below 0.00001; gnomAD 0.00001; TOPMed 0.00004.

Submissions (3):

Ambry Genetics
Classification: Uncertain significance for Inborn genetic diseases. Last evaluated: 2023-12-01. Review status: criteria provided, single submitter. Criteria: Ambry Variant Classification Scheme 2023. Collection method: clinical testing. Allele origin: germline.

Labcorp Genetics (formerly Invitae), Labcorp
Classification: Uncertain significance. Last evaluated: 2022-10-25. Review status: criteria provided, single submitter. Criteria: Invitae Variant Classification Sherloc (09022015). Collection method: clinical testing. Allele origin: germline.
Comment: This sequence change replaces aspartic acid, which is acidic and polar, with glycine, which is neutral and non-polar, at codon 82 of the LPIN1 protein (p.Asp82Gly). This variant is present in population databases (no rsID available, gnomAD 0.007%). This variant has not been reported in the literature in individuals affected with LPIN1-related conditions. ClinVar contains an entry for this variant (Variation ID: 1360705). Advanced modeling of protein sequence and biophysical properties (such as structural, functional, and spatial information, amino acid conservation, physicochemical variation, residue mobility, and thermodynamic stability) performed at Invitae indicates that this missense variant is expected to disrupt LPIN1 protein function. In summary, the available evidence is currently insufficient to determine the role of this variant in disease. Therefore, it has been classified as a Variant of Uncertain Significance.

Fulgent Genetics
Classification: Uncertain significance for Myoglobinuria, acute recurrent, autosomal recessive. Last evaluated: 2022-01-11. Review status: criteria provided, single submitter. Criteria: ACMG Guidelines, 2015. Collection method: clinical testing. Allele origin: unknown.